The following is an entry in ClinVar:

NM_001012301.4(ARSI):c.1480G>T (p.Glu494Ter)

Gene: ARSI (arylsulfatase family member I; minus strand). Cytogenetic location: 5q32.
Variant type: single nucleotide variant.
Coding change: c.1480G>T on transcript NM_001012301.4 (MANE Select); coding-DNA position 1480, G replaced by T.
Protein change: p.Glu494Ter; replaces glutamic acid 494 with a stop codon.
Molecular consequence: nonsense.
Genome position (GRCh38, 1-based): chr5:150,297,444, C>A on the plus strand (G>T on the coding strand, the complement: ARSI is on the minus strand). VCF-style: chr5-150297444-C-A. GRCh37 (hg19) VCF-style: chr5-149677007-C-A.
Other names: short protein forms E494*.
Identifiers: ClinVar variation 533753 (VCV000533753.1), dbSNP rs772103557, ClinGen allele CA361726849.

ClinVar aggregate classification (germline): Uncertain significance (1 of 4 stars; one submission).

Conditions:
Spastic paraplegia. Identifiers: MedGen C0037772, HP:0001258.

Submission:

Labcorp Genetics (formerly Invitae), Labcorp
Classification: Uncertain significance for Spastic paraplegia. Last evaluated: 2017-11-04. Review status: criteria provided, single submitter. Criteria: Invitae Variant Classification Sherloc (09022015). Collection method: clinical testing. Allele origin: germline.
Comment: This sequence change results in a premature translational stop signal in the ARSI gene (p.Glu494*). While this is not anticipated to result in nonsense mediated decay, it is expected to delete the last 76 amino acids of the ARSI protein. This variant is not present in population databases (ExAC no frequency). This variant has not been reported in the literature in individuals with ARSI-related disease. Experimental studies and prediction algorithms are not available for this variant, and the functional significance of the deleted amino acids is currently unknown. In summary, the available evidence is currently insufficient to determine the role of this variant in disease. Therefore, it has been classified as a Variant of Uncertain Significance.